The following is an entry in ClinVar:

NM_005027.4(PIK3R2):c.755C>A (p.Pro252Gln)

Genes: PIK3R2 (phosphoinositide-3-kinase regulatory subunit 2; plus strand), LOC130063979 (ATAC-STARR-seq lymphoblastoid silent region 10375; plus strand). Cytogenetic location: 19p13.11.
Variant type: single nucleotide variant.
Coding change: c.755C>A on transcript NM_005027.4 (MANE Select); coding-DNA position 755, C replaced by A.
Protein change: p.Pro252Gln; replaces proline 252 with glutamine.
Molecular consequence: missense variant. On other transcripts: non-coding transcript variant (1).
Genome position (GRCh38, 1-based): chr19:18,161,435, C>A. VCF-style: chr19-18161435-C-A. GRCh37 (hg19) VCF-style: chr19-18272245-C-A.
Other names: short protein forms P252Q.
Identifiers: ClinVar variation 3710461 (VCV003710461.2).

ClinVar aggregate classification (germline): Uncertain significance (1 of 4 stars; one submission).

Conditions:
Megalencephaly-polymicrogyria-postaxial polydactyly-hydrocephalus syndrome. Also called: MPPH Syndrome; MEG-PMG-MEGACC SYNDROME. Identifiers: Orphanet 83473, MedGen C1863924, MONDO:0019375.

gnomAD v4.1: 19 of 1,212,010 alleles (0.0016%); highest among the groups gnomAD compares: Middle Eastern, 0.033%; no homozygotes.

Submission:

Labcorp Genetics (formerly Invitae), Labcorp
Classification: Uncertain significance for Megalencephaly-polymicrogyria-postaxial polydactyly-hydrocephalus syndrome. Last evaluated: 2025-03-07. Review status: criteria provided, single submitter. Criteria: Invitae Variant Classification Sherloc (09022015). Collection method: clinical testing. Allele origin: germline.
Comment: This sequence change replaces proline, which is neutral and non-polar, with glutamine, which is neutral and polar, at codon 252 of the PIK3R2 protein (p.Pro252Gln). This variant is not present in population databases (gnomAD no frequency). This variant has not been reported in the literature in individuals affected with PIK3R2-related conditions. Invitae Evidence Modeling of protein sequence and biophysical properties (such as structural, functional, and spatial information, amino acid conservation, physicochemical variation, residue mobility, and thermodynamic stability) indicates that this missense variant is expected to disrupt PIK3R2 protein function with a positive predictive value of 95%. In summary, the available evidence is currently insufficient to determine the role of this variant in disease. Therefore, it has been classified as a Variant of Uncertain Significance.